The following is an entry in ClinVar:

ClinVar aggregate classification (germline): Benign. Review status: criteria provided, single submitter (1 of 4 stars). 2 submissions from 2 submitters: Benign (1). 1 of the submissions does not count toward it. Last evaluated 2026-02-03.

Conditions:
KCNQ5-related disorder. Also called: KCNQ5-related condition.

Allele frequency attached by ClinVar (database versions not stated): gnomAD exomes 0.00085 and 0.00230; ExAC 0.00276; gnomAD 0.00826 and 0.00888; 1000 Genomes Project 30x 0.00906; ESP Exome Variant Server 0.00907; 1000 Genomes Project 0.00919; TOPMed 0.00932.
gnomAD v4.1: 2,533 of 1,614,160 alleles (0.16%); highest among the groups gnomAD compares: African/African-American, 3.1%; 44 homozygotes.

Submissions (2):

Labcorp Genetics (formerly Invitae), Labcorp
Classification: Benign. Last evaluated: 2026-02-03. Review status: criteria provided, single submitter. Criteria: Invitae Variant Classification Sherloc (09022015). Collection method: clinical testing. Allele origin: germline.

PreventionGenetics, part of Exact Sciences
Classification: Benign for KCNQ5-related condition. Last evaluated: 2019-07-24. Review status: no assertion criteria provided. Collection method: clinical testing. Allele origin: germline. Not counted in ClinVar's aggregate classification.
Comment: This variant is classified as benign based on ACMG/AMP sequence variant interpretation guidelines (Richards et al. 2015 PMID: 25741868, with internal and published modifications).

NM_019842.4(KCNQ5):c.1890C>T (p.Val630=)

Gene: KCNQ5 (potassium voltage-gated channel subfamily Q member 5; plus strand). Cytogenetic location: 6q13.
Variant type: single nucleotide variant.
Coding change: c.1890C>T on transcript NM_019842.4 (MANE Select); coding-DNA position 1890, C replaced by T.
Protein change: p.Val630=; no amino-acid change (valine 630 retained).
Molecular consequence: synonymous variant.
Genome position (GRCh38, 1-based): chr6:73,194,505, C>T. VCF-style: chr6-73194505-C-T. GRCh37 (hg19) VCF-style: chr6-73904228-C-T.
Other names: c.1947C>T (NM_001160133.1); c.1863C>T, p.Val621= (NM_001160130.2); c.1920C>T, p.Val640= (NM_001160132.2); c.1947C>T, p.Val649= (NM_001160133.2); c.1560C>T, p.Val520= (NM_001160134.2).
Identifiers: ClinVar variation 1165773 (VCV001165773.11), dbSNP rs76981234, ClinGen allele CA3887168.